The following is an entry in ClinVar:

NM_001395656.1(ROBO2):c.2295T>A (p.Asp765Glu)

Gene: ROBO2 (roundabout guidance receptor 2; plus strand). Cytogenetic location: 3p12.3.
Variant type: single nucleotide variant.
Coding change: c.2295T>A on transcript NM_001395656.1 (MANE Select); coding-DNA position 2295, T replaced by A.
Protein change: p.Asp765Glu; replaces aspartic acid 765 with glutamic acid.
Molecular consequence: missense variant.
Genome position (GRCh38, 1-based): chr3:77,577,569, T>A. VCF-style: chr3-77577569-T-A. GRCh37 (hg19) VCF-style: chr3-77626720-T-A.
Other names: c.2331T>A, p.Asp777Glu (NM_001128929.3); c.2295T>A, p.Asp765Glu (NM_001290039.2, NM_001290040.2, NM_001378202.1); c.504T>A, p.Asp168Glu (NM_001290065.2); c.2343T>A, p.Asp781Glu (NM_001378190.1, NM_001378191.1, NM_001378195.1 and 4 more transcripts); c.2364T>A, p.Asp788Glu (NM_001378192.1, NM_001378194.1, NM_001378198.1 and 2 more transcripts); c.2283T>A, p.Asp761Glu (NM_001378193.1, NM_001378197.1, NM_002942.5); c.2352T>A, p.Asp784Glu (NM_001394212.1, NM_001394214.1, NM_001395657.1); c.2283T>A (NM_002942.4); short protein forms D765E, D784E, D168E, D761E, D777E, D788E, D781E.
Identifiers: ClinVar variation 1385093 (VCV001385093.8), dbSNP rs1339492985, ClinGen allele CA353522638.

ClinVar aggregate classification (germline): Uncertain significance. Review status: criteria provided, multiple submitters, no conflicts (2 of 4 stars). 3 submissions from 3 submitters: Uncertain significance (3). Last evaluated 2025-05-18.

Conditions:
Inborn genetic diseases. Identifiers: MedGen C0950123, MeSH D030342.
Vesicoureteral reflux 2 (VUR2). Identifiers: Orphanet 289365, MedGen C1970483, MONDO:0012573, OMIM 610878.

Allele frequency attached by ClinVar (database versions not stated): gnomAD exomes 0.00001; TOPMed 0.00001; gnomAD 0.00002.
gnomAD v4.1: 20 of 1,613,060 alleles (0.0012%); highest among the groups gnomAD compares: Admixed American, 0.028%; no homozygotes.

Submissions (3):

Labcorp Genetics (formerly Invitae), Labcorp
Classification: Uncertain significance. Last evaluated: 2025-05-18. Review status: criteria provided, single submitter. Criteria: Invitae Variant Classification Sherloc (09022015). Collection method: clinical testing. Allele origin: germline.
Comment: This sequence change replaces aspartic acid, which is acidic and polar, with glutamic acid, which is acidic and polar, at codon 761 of the ROBO2 protein (p.Asp761Glu). This variant is not present in population databases (gnomAD no frequency). This variant has not been reported in the literature in individuals affected with ROBO2-related conditions. ClinVar contains an entry for this variant (Variation ID: 1385093). Invitae Evidence Modeling of protein sequence and biophysical properties (such as structural, functional, and spatial information, amino acid conservation, physicochemical variation, residue mobility, and thermodynamic stability) indicates that this missense variant is not expected to disrupt ROBO2 protein function with a negative predictive value of 95%. In summary, the available evidence is currently insufficient to determine the role of this variant in disease. Therefore, it has been classified as a Variant of Uncertain Significance.

Ambry Genetics
Classification: Uncertain significance for Inborn genetic diseases. Last evaluated: 2024-04-15. Review status: criteria provided, single submitter. Criteria: Ambry Variant Classification Scheme 2023. Collection method: clinical testing. Allele origin: germline.

Fulgent Genetics
Classification: Uncertain significance for Vesicoureteral reflux 2. Last evaluated: 2024-01-20. Review status: criteria provided, single submitter. Criteria: ACMG Guidelines, 2015. Collection method: clinical testing. Allele origin: germline.